The following is an entry in ClinVar:

NM_016816.4(OAS1):c.1060G>A (p.Asp354Asn)

Gene: OAS1 (2'-5'-oligoadenylate synthetase 1; plus strand). Cytogenetic location: 12q24.13.
Variant type: single nucleotide variant.
Coding change: c.1060G>A on transcript NM_016816.4 (MANE Select); coding-DNA position 1060, G replaced by A.
Protein change: p.Asp354Asn; replaces aspartic acid 354 with asparagine.
Molecular consequence: missense variant. On other transcripts: intron variant (2).
Genome position (GRCh38, 1-based): chr12:112,919,410, G>A. VCF-style: chr12-112919410-G-A. GRCh37 (hg19) VCF-style: chr12-113357215-G-A.
Other names: c.1038+1710G>A (NM_001320151.2); c.1039-77G>A (NM_001032409.3); c.1060G>A (NM_016816.2); short protein forms D354N.
Identifiers: ClinVar variation 1437519 (VCV001437519.9), dbSNP rs111407879, ClinGen allele CA6799999.
Genomic context (GRCh38, chr12:112,919,410, plus strand): 5'-GAAGACTCCCTGATGTGATCATGTGTCTCACCCTTTCAGGCTGAAAGCAACAGTGCAGAC[G>A]ATGAGACCGACGATCCCAGGAGGTATCAGAAATATGGTTACATTGGAACACATGAGTACC-3'
Protein context (NP_058132.2, residues 344-364): ILLAESNSAD[Asp354Asn]ETDDPRRYQK

ClinVar aggregate classification (germline): Uncertain significance. Review status: criteria provided, multiple submitters, no conflicts (2 of 4 stars). 2 submissions from 2 submitters: Uncertain significance (2). Last evaluated 2025-09-11.

Allele frequency attached by ClinVar (database versions not stated): ExAC 0.00001; gnomAD exomes 0.00002; gnomAD 0.00004; TOPMed 0.00008.

Submissions (2):

Ambry Genetics
Classification: Uncertain significance. Last evaluated: 2025-09-11. Review status: criteria provided, single submitter. Criteria: Ambry Variant Classification Scheme 2023. Collection method: clinical testing. Allele origin: germline.

Labcorp Genetics (formerly Invitae), Labcorp
Classification: Uncertain significance. Last evaluated: 2024-11-05. Review status: criteria provided, single submitter. Criteria: Invitae Variant Classification Sherloc (09022015). Collection method: clinical testing. Allele origin: germline.
Comment: This sequence change replaces aspartic acid, which is acidic and polar, with asparagine, which is neutral and polar, at codon 354 of the OAS1 protein (p.Asp354Asn). This variant is present in population databases (rs111407879, gnomAD 0.007%). This variant has not been reported in the literature in individuals affected with OAS1-related conditions. ClinVar contains an entry for this variant (Variation ID: 1437519). An algorithm developed to predict the effect of missense changes on protein structure and function outputs the following: PolyPhen-2: "Benign". The asparagine amino acid residue is found in multiple mammalian species, which suggests that this missense change does not adversely affect protein function. In summary, the available evidence is currently insufficient to determine the role of this variant in disease. Therefore, it has been classified as a Variant of Uncertain Significance.